The following is an entry in ClinVar:

ClinVar aggregate classification (germline): Uncertain significance. Review status: criteria provided, multiple submitters, no conflicts (2 of 4 stars). 6 submissions from 6 submitters: Uncertain significance (5). 1 of the submissions does not count toward it. Last evaluated 2026-03-12.

Conditions:
BBS12-related disorder. Also called: BBS12-related condition.
Inborn genetic diseases. Identifiers: MedGen C0950123, MeSH D030342.
Bardet-Biedl syndrome (BBS). Identifiers: Orphanet 110, MedGen C0752166, MONDO:0015229.
Bardet-Biedl syndrome 12 (BBS12). Identifiers: Orphanet 110, MedGen C1859570, MONDO:0014440, OMIM 615989.

Allele frequency attached by ClinVar (database versions not stated): gnomAD 0.00010; TOPMed 0.00010; ESP Exome Variant Server 0.00015.
gnomAD v4.1: 136 of 1,614,088 alleles (0.0084%); highest among the groups gnomAD compares: Non-Finnish European, 0.011%; no homozygotes.

Submissions (6):

PreventionGenetics, part of Exact Sciences
Classification: Uncertain significance for BBS12-related condition. Last evaluated: 2026-03-12. Review status: criteria provided, single submitter. Criteria: ACMG Guidelines, 2015. Collection method: clinical testing. Allele origin: germline.
Comment: The BBS12 c.1261C>A variant is predicted to result in the amino acid substitution p.Arg421Ser. To our knowledge, this variant has not been reported in the literature. This variant is reported in 0.019% of alleles in individuals of European (non-Finnish) descent in gnomAD. At this time, the clinical significance of this variant is uncertain due to the absence of conclusive functional and genetic evidence.

Ambry Genetics
Classification: Uncertain significance for Inborn genetic diseases. Last evaluated: 2025-11-20. Review status: criteria provided, single submitter. Criteria: Ambry Variant Classification Scheme 2023. Collection method: clinical testing. Allele origin: germline.

Labcorp Genetics (formerly Invitae), Labcorp
Classification: Uncertain significance for Bardet-Biedl syndrome. Last evaluated: 2022-08-12. Review status: criteria provided, single submitter. Criteria: Invitae Variant Classification Sherloc (09022015). Collection method: clinical testing. Allele origin: germline.
Comment: This sequence change replaces arginine, which is basic and polar, with serine, which is neutral and polar, at codon 421 of the BBS12 protein (p.Arg421Ser). This variant is present in population databases (rs199596849, gnomAD 0.02%). This variant has not been reported in the literature in individuals affected with BBS12-related conditions. ClinVar contains an entry for this variant (Variation ID: 347501). Algorithms developed to predict the effect of missense changes on protein structure and function (SIFT, PolyPhen-2, Align-GVGD) all suggest that this variant is likely to be tolerated. In summary, the available evidence is currently insufficient to determine the role of this variant in disease. Therefore, it has been classified as a Variant of Uncertain Significance.

Fulgent Genetics
Classification: Uncertain significance for Bardet-Biedl syndrome 12. Last evaluated: 2022-05-22. Review status: criteria provided, single submitter. Criteria: ACMG Guidelines, 2015. Collection method: clinical testing. Allele origin: unknown.

Illumina Laboratory Services, Illumina
Classification: Uncertain significance for Bardet-Biedl syndrome 12. Last evaluated: 2018-01-13. Review status: criteria provided, single submitter. Criteria: ICSL Variant Classification Criteria 13 December 2019. Collection method: clinical testing. Allele origin: germline.

Natera, Inc.
Classification: Uncertain significance for Bardet-Biedl syndrome type 12. Last evaluated: 2019-10-28. Review status: no assertion criteria provided. Collection method: clinical testing. Allele origin: germline. Not counted in ClinVar's aggregate classification.

NM_152618.3(BBS12):c.1261C>A (p.Arg421Ser)

Gene: BBS12 (Bardet-Biedl syndrome 12; plus strand). Cytogenetic location: 4q27.
Variant type: single nucleotide variant.
Coding change: c.1261C>A on transcript NM_152618.3 (MANE Select); coding-DNA position 1261, C replaced by A.
Protein change: p.Arg421Ser; replaces arginine 421 with serine.
Molecular consequence: missense variant.
Genome position (GRCh38, 1-based): chr4:122,743,153, C>A. VCF-style: chr4-122743153-C-A. GRCh37 (hg19) VCF-style: chr4-123664308-C-A.
Other names: c.1261C>A, p.Arg421Ser (NM_001178007.2); short protein forms R421S.
Identifiers: ClinVar variation 347501 (VCV000347501.16), dbSNP rs199596849, ClinGen allele CA3069409.
Genomic context (GRCh38, chr4:122,743,153, plus strand): 5'-TTACAGGTGTTAATCCAGTTCAAGGTGAACCTTGTCCTGGTACAAGGAAATGTGTCCGAA[C>A]GCTTAATTGAAAAATGTATAAACAGTAAGCGGTTGGTAATCGGCTCAGTGAATGGCAGTG-3'
Protein context (NP_689831.2, residues 411-431): LVLVQGNVSE[Arg421Ser]LIEKCINSKR